The following is an entry in ClinVar:

ClinVar aggregate classification (germline): Uncertain significance (1 of 4 stars; one submission).

Conditions:
Hypertrophic cardiomyopathy. Also called: HYPERTROPHIC MYOCARDIOPATHY. Identifiers: Orphanet 217569, MedGen C0007194, MeSH D002312, MONDO:0005045, HP:0001639.

Submission:

Labcorp Genetics (formerly Invitae), Labcorp
Classification: Uncertain significance for Hypertrophic cardiomyopathy. Last evaluated: 2024-04-16. Review status: criteria provided, single submitter. Criteria: Invitae Variant Classification Sherloc (09022015). Collection method: clinical testing. Allele origin: germline.
Comment: This sequence change replaces methionine, which is neutral and non-polar, with valine, which is neutral and non-polar, at codon 137 of the MYOM1 protein (p.Met137Val). This variant is not present in population databases (gnomAD no frequency). This variant has not been reported in the literature in individuals affected with MYOM1-related conditions. ClinVar contains an entry for this variant (Variation ID: 1983003). Algorithms developed to predict the effect of missense changes on protein structure and function output the following: SIFT: "Not Available"; PolyPhen-2: "Benign"; Align-GVGD: "Not Available". The valine amino acid residue is found in multiple mammalian species, which suggests that this missense change does not adversely affect protein function. In summary, the available evidence is currently insufficient to determine the role of this variant in disease. Therefore, it has been classified as a Variant of Uncertain Significance.

NM_003803.4(MYOM1):c.409A>G (p.Met137Val)

Gene: MYOM1 (myomesin 1; minus strand). Cytogenetic location: 18p11.31.
Variant type: single nucleotide variant.
Coding change: c.409A>G on transcript NM_003803.4 (MANE Select); coding-DNA position 409, A replaced by G.
Protein change: p.Met137Val; replaces methionine 137 with valine.
Molecular consequence: missense variant.
Genome position (GRCh38, 1-based): chr18:3,193,840, T>C on the plus strand (A>G on the coding strand, the complement: MYOM1 is on the minus strand). VCF-style: chr18-3193840-T-C. GRCh37 (hg19) VCF-style: chr18-3193838-T-C.
Other names: c.409A>G, p.Met137Val (NM_019856.2); short protein forms M137V.
Identifiers: ClinVar variation 1983003 (VCV001983003.4), dbSNP rs765511668, ClinGen allele CA401717170.